The following is an entry in ClinVar:

ClinVar aggregate classification (germline): Uncertain significance. Review status: criteria provided, multiple submitters, no conflicts (2 of 4 stars). 2 submissions from 2 submitters: Uncertain significance (2). Last evaluated 2025-11-12.

Conditions:
Inborn genetic diseases. Identifiers: MedGen C0950123, MeSH D030342.
Curry-Hall syndrome (WAD). Also called: WEYERS ACRODENTAL DYSOSTOSIS. Identifiers: Orphanet 952, MedGen C0457013, MONDO:0008673, OMIM 193530.
Ellis-van Creveld syndrome (EVC). Also called: MESOECTODERMAL DYSPLASIA; EVC-Related Ellis-van Creveld Syndrome; EVC2-Related Ellis-van Creveld Syndrome; Chondroectodermal dysplasia. Identifiers: Orphanet 289, MedGen C0013903, MONDO:0009162, OMIM 225500.

Allele frequency attached by ClinVar (database versions not stated): gnomAD 0.00001; gnomAD exomes 0.00004; ExAC 0.00009.
gnomAD v4.1: 65 of 1,614,116 alleles (0.004%); highest among the groups gnomAD compares: South Asian, 0.07%; no homozygotes.

Submissions (2):

Ambry Genetics
Classification: Uncertain significance for Inborn genetic diseases. Last evaluated: 2025-11-12. Review status: criteria provided, single submitter. Criteria: Ambry Variant Classification Scheme 2023. Collection method: clinical testing. Allele origin: germline.

Labcorp Genetics (formerly Invitae), Labcorp
Classification: Uncertain significance for Curry-Hall syndrome; Ellis-van Creveld syndrome. Last evaluated: 2025-04-21. Review status: criteria provided, single submitter. Criteria: Invitae Variant Classification Sherloc (09022015). Collection method: clinical testing. Allele origin: germline.
Comment: This sequence change replaces aspartic acid, which is acidic and polar, with asparagine, which is neutral and polar, at codon 216 of the EVC2 protein (p.Asp216Asn). This variant is present in population databases (rs769530661, gnomAD 0.06%). This variant has not been reported in the literature in individuals affected with EVC2-related conditions. ClinVar contains an entry for this variant (Variation ID: 2200166). An algorithm developed to predict the effect of missense changes on protein structure and function (PolyPhen-2) suggests that this variant is likely to be tolerated. In summary, the available evidence is currently insufficient to determine the role of this variant in disease. Therefore, it has been classified as a Variant of Uncertain Significance.

NM_147127.5(EVC2):c.646G>A (p.Asp216Asn)

Gene: EVC2 (EvC ciliary complex subunit 2; minus strand). Cytogenetic location: 4p16.2.
Variant type: single nucleotide variant.
Coding change: c.646G>A on transcript NM_147127.5 (MANE Select); coding-DNA position 646, G replaced by A.
Protein change: p.Asp216Asn; replaces aspartic acid 216 with asparagine.
Molecular consequence: missense variant.
Genome position (GRCh38, 1-based): chr4:5,689,217, C>T on the plus strand (G>A on the coding strand, the complement: EVC2 is on the minus strand). VCF-style: chr4-5689217-C-T. GRCh37 (hg19) VCF-style: chr4-5690944-C-T.
Other names: c.646G>A (NM_147127.4); c.406G>A, p.Asp136Asn (NM_001166136.2); short protein forms D216N, D136N.
Identifiers: ClinVar variation 2200166 (VCV002200166.3), dbSNP rs769530661, ClinGen allele CA2835379.
Genomic context (GRCh38, chr4:5,689,217, plus strand): 5'-CTTGCAGAAACTTCTTGCTAAAAGCCTGGAATCCTTCCGAGGTCCTGTTTCCCACAGAGT[C>T]CCAAATGGTGAGACCAGCAATGCTGTCCAGCAAGAGCAGCTCCGAGAGGTTGGCTGACGA-3'
Protein context (NP_667338.3, residues 206-226): LDSIAGLTIW[Asp216Asn]SVGNRTSEGF